The following is an entry in ClinVar:

NM_199355.4(ADAMTS18):c.217G>A (p.Gly73Arg)

Gene: ADAMTS18 (ADAM metallopeptidase with thrombospondin type 1 motif 18; minus strand). Cytogenetic location: 16q23.1.
Variant type: single nucleotide variant.
Coding change: c.217G>A on transcript NM_199355.4 (MANE Select); coding-DNA position 217, G replaced by A.
Protein change: p.Gly73Arg; replaces glycine 73 with arginine.
Molecular consequence: missense variant. On other transcripts: 5 prime UTR variant (1).
Genome position (GRCh38, 1-based): chr16:77,431,573, C>T on the plus strand (G>A on the coding strand, the complement: ADAMTS18 is on the minus strand). VCF-style: chr16-77431573-C-T. GRCh37 (hg19) VCF-style: chr16-77465470-C-T.
Other names: c.-304G>A (NM_001326358.2); short protein forms G73R.
Identifiers: ClinVar variation 1478322 (VCV001478322.7), dbSNP rs764085566, ClinGen allele CA8181743.

ClinVar aggregate classification (germline): Uncertain significance. Review status: criteria provided, multiple submitters, no conflicts (2 of 4 stars). 2 submissions from 2 submitters: Uncertain significance (2). Last evaluated 2024-01-22.

Allele frequency attached by ClinVar (database versions not stated): gnomAD exomes 0.00001 and 0.00004; TOPMed 0.00001; gnomAD 0.00002; ExAC 0.00003.
gnomAD v4.1: 20 of 1,614,010 alleles (0.0012%); highest among the groups gnomAD compares: Admixed American, 0.01%; no homozygotes.

Submissions (2):

Labcorp Genetics (formerly Invitae), Labcorp
Classification: Uncertain significance. Last evaluated: 2024-01-22. Review status: criteria provided, single submitter. Criteria: Invitae Variant Classification Sherloc (09022015). Collection method: clinical testing. Allele origin: germline.
Comment: This sequence change replaces glycine, which is neutral and non-polar, with arginine, which is basic and polar, at codon 73 of the ADAMTS18 protein (p.Gly73Arg). This variant is present in population databases (rs764085566, gnomAD 0.02%). This variant has not been reported in the literature in individuals affected with ADAMTS18-related conditions. ClinVar contains an entry for this variant (Variation ID: 1478322). An algorithm developed to predict the effect of missense changes on protein structure and function (PolyPhen-2) suggests that this variant is likely to be disruptive. In summary, the available evidence is currently insufficient to determine the role of this variant in disease. Therefore, it has been classified as a Variant of Uncertain Significance.

Blueprint Genetics
Classification: Uncertain significance. Last evaluated: 2023-09-04. Review status: criteria provided, single submitter. Criteria: ACMG Guidelines, 2015. Collection method: clinical testing. Allele origin: germline.